The following is an entry in ClinVar:

NM_001083961.2(WDR62):c.584A>G (p.Asn195Ser)

Gene: WDR62 (WD repeat domain 62; plus strand). Cytogenetic location: 19q13.12.
Variant type: single nucleotide variant.
Coding change: c.584A>G on transcript NM_001083961.2 (MANE Select); coding-DNA position 584, A replaced by G.
Protein change: p.Asn195Ser; replaces asparagine 195 with serine.
Molecular consequence: missense variant.
Genome position (GRCh38, 1-based): chr19:36,067,328, A>G. VCF-style: chr19-36067328-A-G. GRCh37 (hg19) VCF-style: chr19-36558230-A-G.
Other names: c.584A>G, p.Asn195Ser (NM_173636.5); short protein forms N195S.
Identifiers: ClinVar variation 1483697 (VCV001483697.8), dbSNP rs1356687432, ClinGen allele CA405428687.

ClinVar aggregate classification (germline): Uncertain significance (1 of 4 stars; one submission).

Allele frequency attached by ClinVar (database versions not stated): gnomAD exomes below 0.00001; TOPMed 0.00001.
gnomAD v4.1: 2 of 1,614,218 alleles (0.00012%); highest among the groups gnomAD compares: East Asian, 0.0022%; no homozygotes.

Submission:

Labcorp Genetics (formerly Invitae), Labcorp
Classification: Uncertain significance. Last evaluated: 2021-04-17. Review status: criteria provided, single submitter. Criteria: Invitae Variant Classification Sherloc (09022015). Collection method: clinical testing. Allele origin: germline.
Comment: This variant is not present in population databases (ExAC no frequency). This sequence change replaces asparagine with serine at codon 195 of the WDR62 protein (p.Asn195Ser). The asparagine residue is moderately conserved and there is a small physicochemical difference between asparagine and serine. This variant has not been reported in the literature in individuals with WDR62-related conditions. In summary, the available evidence is currently insufficient to determine the role of this variant in disease. Therefore, it has been classified as a Variant of Uncertain Significance. Algorithms developed to predict the effect of missense changes on protein structure and function are either unavailable or do not agree on the potential impact of this missense change (SIFT: "Tolerated"; PolyPhen-2: "Probably Damaging"; Align-GVGD: "Class C0").